The following is an entry in ClinVar:

ClinVar aggregate classification (germline): Conflicting classifications of pathogenicity. Review status: criteria provided, conflicting classifications (1 of 4 stars). 4 submissions from 4 submitters: Likely pathogenic (3); Uncertain significance (1). Last evaluated 2024-08-19.

Conditions:
Cardiovascular phenotype. Identifiers: MedGen CN230736.
Telangiectasia, hereditary hemorrhagic, type 2 (HHT2). Also called: ACVRL1-Related Hereditary Hemorrhagic Telangiectasia; Telangiectasia, hereditary hemorrhagic, type II. Identifiers: Orphanet 774, MedGen C1838163, MONDO:0010880, OMIM 600376. Disease mechanism: loss of function.

Submissions (4):

ARUP Laboratories, Molecular Genetics and Genomics, ARUP Laboratories
Classification: Likely pathogenic for Telangiectasia, hereditary hemorrhagic, type 2. Last evaluated: 2024-08-19. Review status: criteria provided, single submitter. Criteria: ARUP Molecular Germline Variant Investigation Process 2024. Collection method: clinical testing. Allele origin: germline.
Comment: The ACVRL1 c.1466T>C; p.Leu489Pro variant (rs1057523573, ClinVar Variation ID: 389897) is reported in individuals with hereditary hemorrhagic telangiectasia (external communication) and in an individual with suspected hereditary hemorrhagic telangiectasia (Similuk 2022). This variant is absent from the Genome Aggregation Database (v2.1.1), indicating it is not a common polymorphism. Computational analyses predict that this variant is deleterious (REVEL: 0.887). Based on available information, this variant is considered to be likely pathogenic. References: Similuk MN et al. Clinical exome sequencing of 1000 families with complex immune phenotypes: Toward comprehensive genomic evaluations. J Allergy Clin Immunol. 2022 Oct;150(4):947-954. PMID: 35753512.

Labcorp Genetics (formerly Invitae), Labcorp
Classification: Likely pathogenic for Telangiectasia, hereditary hemorrhagic, type 2. Last evaluated: 2024-07-26. Review status: criteria provided, single submitter. Criteria: Invitae Variant Classification Sherloc (09022015). Collection method: clinical testing. Allele origin: germline.
Comment: This sequence change replaces leucine, which is neutral and non-polar, with proline, which is neutral and non-polar, at codon 489 of the ACVRL1 protein (p.Leu489Pro). This variant is not present in population databases (gnomAD no frequency). This missense change has been observed in individual(s) with clinical features of hereditary hemorrhagic telangiectasia (PMID: 35753512; Invitae). ClinVar contains an entry for this variant (Variation ID: 389897). Advanced modeling of protein sequence and biophysical properties (such as structural, functional, and spatial information, amino acid conservation, physicochemical variation, residue mobility, and thermodynamic stability) performed at Invitae indicates that this missense variant is expected to disrupt ACVRL1 protein function with a positive predictive value of 95%. This variant disrupts the p.Leu489 amino acid residue in ACVRL1. Other variant(s) that disrupt this residue have been observed in individuals with ACVRL1-related conditions (Invitae), which suggests that this may be a clinically significant amino acid residue. In summary, the currently available evidence indicates that the variant is pathogenic, but additional data are needed to prove that conclusively. Therefore, this variant has been classified as Likely Pathogenic.

GeneDx
Classification: Uncertain significance. Last evaluated: 2016-10-11. Review status: criteria provided, single submitter. Criteria: GeneDx Variant Classification (06012015). Collection method: clinical testing. Allele origin: germline. Affected: yes.
Comment: A variant of uncertain significance has been identified in the ACVRL1 gene. The L489P variant has not been published as a pathogenic variant, nor has it been reported as a benign variant to our knowledge. The L489P variant was not observed in approximately 6,500 individuals of European and African American ancestry in the NHLBI Exome Sequencing Project, indicating it is not a common benign variant in these populations. Furthermore, the L489P variant is a semi-conservative amino acid substitution, which may impact secondary protein structure as these residues differ in some properties. Additionally, this substitution occurs at a position that is conserved across species and in silico analysis predicts this variant is probably damaging to the protein structure/function.However, additional evidence is needed to determine whether this variant is pathogenic or benign.

Ambry Genetics
Classification: Likely pathogenic for Cardiovascular phenotype. Last evaluated: 2015-08-11. Review status: criteria provided, single submitter. Criteria: Ambry Variant Classification Scheme 2023. Collection method: clinical testing. Allele origin: germline.
Comment: The p.L489P variant (also known as c.1466T>C), located in coding exon 9 of the ACVRL1 gene, results from a T to C substitution at nucleotide position 1466. The leucine at codon 489 is replaced by proline, an amino acid with some similar properties. This variant has been identified in two unrelated individuals who met Curacoa criteria for HHT by our laboratory. This variant was not reported in population based cohorts in the following databases: Database of Single Nucleotide Polymorphisms (dbSNP), NHLBI Exome Sequencing Project (ESP), and 1000 Genomes Project. In the ESP, this variant was not observed in 6503 samples (13006 alleles) with coverage at this position. This amino acid position is highly conserved in available vertebrate species. In addition, this alteration is predicted to be deleterious by in silico analysis. Based on the majority of available evidence to date, this variant is likely to be pathogenic.

Literature cited by the submitters: PubMed 35753512 (cited by Labcorp Genetics (formerly Invitae), Labcorp).

NM_000020.3(ACVRL1):c.1466T>C (p.Leu489Pro)

Gene: ACVRL1 (activin A receptor like type 1; plus strand). Cytogenetic location: 12q13.13.
Variant type: single nucleotide variant.
Coding change: c.1466T>C on transcript NM_000020.3 (MANE Select); coding-DNA position 1466, T replaced by C.
Protein change: p.Leu489Pro; replaces leucine 489 with proline.
Molecular consequence: missense variant.
Genome position (GRCh38, 1-based): chr12:51,920,847, T>C. VCF-style: chr12-51920847-T-C. GRCh37 (hg19) VCF-style: chr12-52314631-T-C.
Other names: c.1466T>C, p.Leu489Pro (NM_001077401.2); short protein forms L489P.
Identifiers: ClinVar variation 389897 (VCV000389897.9), dbSNP rs1057523573, ClinGen allele CA16606658.